The following is an entry in ClinVar:

ClinVar aggregate classification (germline): Uncertain significance (1 of 4 stars; one submission).

Conditions:
Familial cancer of breast. Also called: BREAST CANCER, FAMILIAL; Hereditary breast cancer; hereditary breast carcinoma. Identifiers: Orphanet 227535, MedGen C0346153, MONDO:0016419, OMIM 114480. Disease mechanism: loss of function.
Fanconi anemia complementation group J. Also called: BRIP1-Related Fanconi Anemia. Identifiers: Orphanet 84, MedGen C1836860, MONDO:0012187, OMIM 609054.

Submission:

Labcorp Genetics (formerly Invitae), Labcorp
Classification: Uncertain significance for Familial cancer of breast; Fanconi anemia complementation group J. Last evaluated: 2025-11-24. Review status: criteria provided, single submitter. Criteria: Invitae Variant Classification Sherloc (09022015). Collection method: clinical testing. Allele origin: germline.
Comment: This sequence change replaces tryptophan, which is neutral and slightly polar, with leucine, which is neutral and non-polar, at codon 1217 of the BRIP1 protein (p.Trp1217Leu). This variant is not present in population databases (gnomAD no frequency). This variant has not been reported in the literature in individuals affected with BRIP1-related conditions. ClinVar contains an entry for this variant (Variation ID: 1961064). Invitae Evidence Modeling of protein sequence and biophysical properties (such as structural, functional, and spatial information, amino acid conservation, physicochemical variation, residue mobility, and thermodynamic stability) indicates that this missense variant is not expected to disrupt BRIP1 protein function with a negative predictive value of 95%. In summary, the available evidence is currently insufficient to determine the role of this variant in disease. Therefore, it has been classified as a Variant of Uncertain Significance.

NM_032043.3(BRIP1):c.3650G>T (p.Trp1217Leu)

Gene: BRIP1 (BRCA1 interacting DNA helicase 1; minus strand). Cytogenetic location: 17q23.2.
Variant type: single nucleotide variant.
Coding change: c.3650G>T on transcript NM_032043.3 (MANE Select); coding-DNA position 3650, G replaced by T.
Protein change: p.Trp1217Leu; replaces tryptophan 1217 with leucine.
Molecular consequence: missense variant.
Genome position (GRCh38, 1-based): chr17:61,683,396, C>A on the plus strand (G>T on the coding strand, the complement: BRIP1 is on the minus strand). VCF-style: chr17-61683396-C-A. GRCh37 (hg19) VCF-style: chr17-59760757-C-A.
Other names: short protein forms W1217L.
Identifiers: ClinVar variation 1961064 (VCV001961064.5), dbSNP rs2144068710, ClinGen allele CA400477902.